The following is an entry in ClinVar:

ClinVar aggregate classification (germline): Uncertain significance. Review status: criteria provided, multiple submitters, no conflicts (2 of 4 stars). 2 submissions from 2 submitters: Uncertain significance (2). Last evaluated 2025-11-24.

Conditions:
Leucine-induced hypoglycemia (LIH). Also called: LEUCINE-SENSITIVE HYPOGLYCEMIA OF INFANCY. Identifiers: MedGen C0271714, MONDO:0009415, OMIM 240800.
Diabetes mellitus, permanent neonatal 3. Also called: ABCC8-Related Permanent Neonatal Diabetes Mellitus. Identifiers: MedGen C5394303, MONDO:0030088, OMIM 618857.
Diabetes mellitus, transient neonatal, 2 (TNDM2). Identifiers: Orphanet 99886, MedGen C1835887, MONDO:0012480, OMIM 610374. Disease mechanism: loss of function.
Type 2 diabetes mellitus. Also called: Type II diabetes mellitus. Identifiers: MedGen C0011860, MeSH D003924, MONDO:0005148, OMIM 125853, HP:0005978.
Hyperinsulinemic hypoglycemia, familial, 1 (HHF1). Also called: Persistent hyperinsulinemic hypoglycemia of infancy; HYPERINSULINISM, FAMILIAL, WITH PANCREATIC NESIDIOBLASTOSIS; HYPOGLYCEMIA, HYPERINSULINEMIC, OF INFANCY; NESIDIOBLASTOSIS OF PANCREAS; Persistent Hyperinsulinemia Hypoglycemia of Infancy. Identifiers: Orphanet 276575, Orphanet 276598, MedGen C2931832, MONDO:0009734, OMIM 256450.

Allele frequency attached by ClinVar (database versions not stated): gnomAD 0.00002; gnomAD exomes 0.00002; TOPMed 0.00002.
gnomAD v4.1: 26 of 1,590,018 alleles (0.0016%); highest among the groups gnomAD compares: Non-Finnish European, 0.0021%; no homozygotes.

Submissions (2):

Women's Health and Genetics/Laboratory Corporation of America, LabCorp
Classification: Uncertain significance. Last evaluated: 2025-11-24. Review status: criteria provided, single submitter. Criteria: LabCorp Variant Classification Summary - May 2015. Collection method: clinical testing. Allele origin: germline.
Comment: Variant summary: ABCC8 c.443T>C (p.Ile148Thr) results in a non-conservative amino acid change in the encoded protein sequence. Algorithms developed to predict the effect of missense changes on protein structure and function all suggest that this variant is likely to be disruptive. The variant allele was found at a frequency of 4.8e-06 in 210420 control chromosomes (gnomAD). The available data on variant occurrences in the general population are insufficient to allow any conclusion about variant significance. c.443T>C has been reported in the literature in a heterozygous individual affected with Hyperinsulinism as well as their unaffected father (Mohnike_2014, Lachmann_2016). These reports do not provide unequivocal conclusions about association of the variant with Familial Hyperinsulinism. To our knowledge, no experimental evidence demonstrating an impact on protein function has been reported. The following publications have been ascertained in the context of this evaluation (PMID: 26581065, 24401662). ClinVar contains an entry for this variant (Variation ID: 2503915). Based on the evidence outlined above, the variant was classified as uncertain significance.

Fulgent Genetics
Classification: Uncertain significance for Type 2 diabetes mellitus; Leucine-induced hypoglycemia; Hyperinsulinemic hypoglycemia, familial, 1; Diabetes mellitus, transient neonatal, 2; Diabetes mellitus, permanent neonatal 3. Last evaluated: 2023-12-21. Review status: criteria provided, single submitter. Criteria: ACMG Guidelines, 2015. Collection method: clinical testing. Allele origin: germline.

Literature cited by the submitters: PubMed 24401662 (cited by Women's Health and Genetics/Laboratory Corporation of America, LabCorp); PubMed 26581065 (cited by Women's Health and Genetics/Laboratory Corporation of America, LabCorp).

NM_000352.6(ABCC8):c.443T>C (p.Ile148Thr)

Gene: ABCC8 (ATP binding cassette subfamily C member 8; minus strand). Cytogenetic location: 11p15.1.
Variant type: single nucleotide variant.
Coding change: c.443T>C on transcript NM_000352.6 (MANE Select); coding-DNA position 443, T replaced by C.
Protein change: p.Ile148Thr; replaces isoleucine 148 with threonine.
Molecular consequence: missense variant. On other transcripts: non-coding transcript variant (1).
Genome position (GRCh38, 1-based): chr11:17,463,574, A>G on the plus strand (T>C on the coding strand, the complement: ABCC8 is on the minus strand). VCF-style: chr11-17463574-A-G. GRCh37 (hg19) VCF-style: chr11-17485121-A-G.
Other names: c.443T>C, p.Ile148Thr (NM_001287174.3, NM_001351295.2, NM_001351296.2 and 1 more transcripts); c.443T>C (NM_000352.4); short protein forms I148T.
Identifiers: ClinVar variation 2503915 (VCV002503915.3), dbSNP rs767409085, ClinGen allele CA5903869.
Genomic context (GRCh38, chr11:17,463,574, plus strand): 5'-CGTAGCTGCGAGAAGCCGATGGCGTGGTCCAAGAACTTGACAAACTTGATGGTCTTGGTG[A>G]TGAAGGCCAGGGTCCAATACACCAGCAGGGCTGCCGAGGAGAGATGGAAGATCGCAGAGA-3'
Protein context (NP_000343.2, residues 138-158): ALLVYWTLAF[Ile148Thr]TKTIKFVKFL